The following is an entry in ClinVar:

ClinVar aggregate classification (germline): Likely pathogenic (1 of 4 stars; one submission).

Conditions:
Dilated cardiomyopathy 1G (CMD1G). Identifiers: Orphanet 154, MedGen C1858763, MONDO:0011400, OMIM 604145.
Autosomal recessive limb-girdle muscular dystrophy type 2J (LGMDR10). Also called: Limb-girdle muscular dystrophy, type 2J; MUSCULAR DYSTROPHY, LIMB-GIRDLE, AUTOSOMAL RECESSIVE 10. Identifiers: Orphanet 140922, MedGen C1837342, MONDO:0012127, OMIM 608807.

Submission:

Labcorp Genetics (formerly Invitae), Labcorp
Classification: Likely pathogenic for Dilated cardiomyopathy 1G; Autosomal recessive limb-girdle muscular dystrophy type 2J. Last evaluated: 2022-06-13. Review status: criteria provided, single submitter. Criteria: Invitae Variant Classification Sherloc (09022015). Collection method: clinical testing. Allele origin: germline.
Comment: In summary, the currently available evidence indicates that the variant is pathogenic, but additional data are needed to prove that conclusively. Therefore, this variant has been classified as Likely Pathogenic. This variant is located in the A band of TTN (PMID: 25589632). Truncating variants in this region are significantly overrepresented in patients affected with dilated cardiomyopathy (PMID: 25589632). Truncating variants in this region have also been reported in individuals affected with autosomal recessive centronuclear myopathy (PMID: 23975875). This variant has not been reported in the literature in individuals affected with TTN-related conditions. This variant is not present in population databases (gnomAD no frequency). This sequence change creates a premature translational stop signal (p.Glu28338Alafs*3) in the TTN gene. While this is not anticipated to result in nonsense mediated decay, it is expected to create a truncated TTN protein.

Literature cited by the submitters: PubMed 25589632; PubMed 23975875.

NM_001267550.2(TTN):c.85013_85014del (p.Glu28338fs)

Genes: TTN (titin; minus strand), TTN-AS1 (TTN antisense RNA 1; plus strand). Cytogenetic location: 2q31.2.
Variant type: Deletion.
Coding change: c.85013_85014del on transcript NM_001267550.2 (MANE Select); coding-DNA positions 85013 to 85014, 2 bases deleted (AG; older notation c.85013_85014delAG).
Protein change: p.Glu28338fs; shifts the reading frame from glutamic acid 28338.
Molecular consequence: frameshift variant.
Genome position (GRCh38, 1-based): chr2:178,561,118-178,561,119, CT deleted on the plus strand (AG on the coding strand, the reverse complement: TTN is on the minus strand); deleting any 2 consecutive bases within chr2:178,561,118-178,561,120 gives the same sequence; the c. name uses the placement nearest the transcript's 3' end. VCF-style (leftmost placement, unchanged base first): chr2-178561117-GCT-G. GRCh37 (hg19) VCF-style: chr2-179425844-GCT-G.
Other names: c.80090_80091del, p.Glu26697fs (NM_001256850.1); c.57818_57819del, p.Glu19273fs (NM_003319.4); c.77309_77310del, p.Glu25770fs (NM_133378.4); c.58193_58194del, p.Glu19398fs (NM_133432.3); c.58394_58395del, p.Glu19465fs (NM_133437.4); short protein forms E19465fs, E28338fs, E19273fs, E26697fs, E25770fs, E19398fs.
Identifiers: ClinVar variation 1349906 (VCV001349906.6), dbSNP rs2154159323, ClinGen allele CA2573134121.